The following is an entry in ClinVar:

ClinVar aggregate classification (germline): Uncertain significance (1 of 4 stars; one submission).

Submission:

Labcorp Genetics (formerly Invitae), Labcorp
Classification: Uncertain significance. Last evaluated: 2025-07-20. Review status: criteria provided, single submitter. Criteria: Invitae Variant Classification Sherloc (09022015). Collection method: clinical testing. Allele origin: germline.
Comment: This sequence change replaces glutamic acid, which is acidic and polar, with valine, which is neutral and non-polar, at codon 223 of the LZTR1 protein (p.Glu223Val). This variant is not present in population databases (gnomAD no frequency). This variant has not been reported in the literature in individuals affected with LZTR1-related conditions. Invitae Evidence Modeling of protein sequence and biophysical properties (such as structural, functional, and spatial information, amino acid conservation, physicochemical variation, residue mobility, and thermodynamic stability) indicates that this missense variant is not expected to disrupt LZTR1 protein function with a negative predictive value of 80%. In summary, the available evidence is currently insufficient to determine the role of this variant in disease. Therefore, it has been classified as a Variant of Uncertain Significance.

NM_006767.4(LZTR1):c.668A>T (p.Glu223Val)

Gene: LZTR1 (leucine zipper like post translational regulator 1; plus strand). Cytogenetic location: 22q11.21.
Variant type: single nucleotide variant.
Coding change: c.668A>T on transcript NM_006767.4 (MANE Select); coding-DNA position 668, A replaced by T.
Protein change: p.Glu223Val; replaces glutamic acid 223 with valine.
Molecular consequence: missense variant.
Genome position (GRCh38, 1-based): chr22:20,990,402, A>T. VCF-style: chr22-20990402-A-T. GRCh37 (hg19) VCF-style: chr22-21344691-A-T.
Other names: short protein forms E223V.
Identifiers: ClinVar variation 4740471 (VCV004740471.1).